The following is an entry in ClinVar:

NM_017534.6(MYH2):c.740T>C (p.Phe247Ser)

Genes: MYH2 (myosin heavy chain 2; minus strand), MYHAS (myosin heavy chain gene cluster antisense RNA; plus strand), LOC126862501 (CDK7 strongly-dependent group 2 enhancer GRCh37_chr17:10446256-10447455; plus strand). Cytogenetic location: 17p13.1.
Variant type: single nucleotide variant.
Coding change: c.740T>C on transcript NM_017534.6 (MANE Select); coding-DNA position 740, T replaced by C.
Protein change: p.Phe247Ser; replaces phenylalanine 247 with serine.
Molecular consequence: missense variant.
Genome position (GRCh38, 1-based): chr17:10,543,712, A>G on the plus strand (T>C on the coding strand, the complement: MYH2 is on the minus strand). VCF-style: chr17-10543712-A-G. GRCh37 (hg19) VCF-style: chr17-10447029-A-G.
Other names: c.740T>C, p.Phe247Ser (NM_001100112.2); short protein forms F247S.
Identifiers: ClinVar variation 4713128 (VCV004713128.1).

ClinVar aggregate classification (germline): Uncertain significance (1 of 4 stars; one submission).

Conditions:
Myopathy, proximal, and ophthalmoplegia (CMYO6). Also called: MYOPATHY WITH CONGENITAL JOINT CONTRACTURES, OPHTHALMOPLEGIA, AND RIMMED VACUOLES; INCLUSION BODY MYOPATHY 3, AUTOSOMAL DOMINANT; CONGENITAL MYOPATHY 6 WITH OPHTHALMOPLEGIA. Identifiers: Orphanet 363677, Orphanet 79091, MedGen C1854106, MONDO:0011577, OMIM 605637.

Submission:

Labcorp Genetics (formerly Invitae), Labcorp
Classification: Uncertain significance for Myopathy, proximal, and ophthalmoplegia. Last evaluated: 2025-03-19. Review status: criteria provided, single submitter. Criteria: Invitae Variant Classification Sherloc (09022015). Collection method: clinical testing. Allele origin: germline.
Comment: This sequence change replaces phenylalanine, which is neutral and non-polar, with serine, which is neutral and polar, at codon 247 of the MYH2 protein (p.Phe247Ser). This variant is not present in population databases (gnomAD no frequency). This variant has not been reported in the literature in individuals affected with MYH2-related conditions. An algorithm developed to predict the effect of missense changes on protein structure and function (PolyPhen-2) suggests that this variant is likely to be disruptive. In summary, the available evidence is currently insufficient to determine the role of this variant in disease. Therefore, it has been classified as a Variant of Uncertain Significance.